The following is an entry in ClinVar:

ClinVar aggregate classification (germline): Uncertain significance. Review status: criteria provided, multiple submitters, no conflicts (2 of 4 stars). 2 submissions from 2 submitters: Uncertain significance (2). Last evaluated 2025-06-30.

Conditions:
Inborn genetic diseases. Identifiers: MedGen C0950123, MeSH D030342.

gnomAD v4.1: 1 of 1,562,272 alleles (0.000064%); highest among the groups gnomAD compares: Non-Finnish European, 0.000087%; no homozygotes.

Submissions (2):

Ambry Genetics
Classification: Uncertain significance for Inborn genetic diseases. Last evaluated: 2025-06-30. Review status: criteria provided, single submitter. Criteria: Ambry Variant Classification Scheme 2023. Collection method: clinical testing. Allele origin: germline.

Labcorp Genetics (formerly Invitae), Labcorp
Classification: Uncertain significance. Last evaluated: 2025-05-18. Review status: criteria provided, single submitter. Criteria: Invitae Variant Classification Sherloc (09022015). Collection method: clinical testing. Allele origin: germline.
Comment: This sequence change replaces phenylalanine, which is neutral and non-polar, with leucine, which is neutral and non-polar, at codon 1931 of the CHD5 protein (p.Phe1931Leu). This variant is not present in population databases (gnomAD no frequency). This variant has not been reported in the literature in individuals affected with CHD5-related conditions. An algorithm developed to predict the effect of missense changes on protein structure and function (PolyPhen-2) suggests that this variant is likely to be tolerated. In summary, the available evidence is currently insufficient to determine the role of this variant in disease. Therefore, it has been classified as a Variant of Uncertain Significance.

NM_015557.3(CHD5):c.5793C>G (p.Phe1931Leu)

Gene: CHD5 (chromodomain helicase DNA binding protein 5; minus strand). Cytogenetic location: 1p36.31.
Variant type: single nucleotide variant.
Coding change: c.5793C>G on transcript NM_015557.3 (MANE Select); coding-DNA position 5793, C replaced by G.
Protein change: p.Phe1931Leu; replaces phenylalanine 1931 with leucine.
Molecular consequence: missense variant.
Genome position (GRCh38, 1-based): chr1:6,106,459, G>C on the plus strand (C>G on the coding strand, the complement: CHD5 is on the minus strand). VCF-style: chr1-6106459-G-C. GRCh37 (hg19) VCF-style: chr1-6166519-G-C.
Other names: short protein forms F1931L.
Identifiers: ClinVar variation 4227801 (VCV004227801.2).